The following is an entry in ClinVar:

NM_000093.5(COL5A1):c.277+6T>C

Gene: COL5A1 (collagen type V alpha 1 chain; plus strand). Cytogenetic location: 9q34.3.
Variant type: single nucleotide variant.
Coding change: c.277+6T>C on transcript NM_000093.5 (MANE Select); 6 bases into the intron after coding-DNA position 277, T replaced by C.
Molecular consequence: intron variant.
Genome position (GRCh38, 1-based): chr9:134,691,085, T>C. VCF-style: chr9-134691085-T-C. GRCh37 (hg19) VCF-style: chr9-137582931-T-C.
Other names: c.277+6T>C (NM_001278074.1).
Identifiers: ClinVar variation 2898160 (VCV002898160.3), dbSNP rs201910803, ClinGen allele CA591363381.
Genomic context (GRCh38, chr9:134,691,085, plus strand): 5'-TACAGAGTCACCAAAGACGCGCAGCTCAGCGCACCCACCAAGCAGCTGTACCCTGGTAAG[T>C]GCCGCACCCTTCTGTTTGGGGCGGTGGGTCCCGTTGGCCCTCTGGCCTCCAGCCAGGAGC-3'

ClinVar aggregate classification (germline): Uncertain significance (1 of 4 stars; one submission).

Conditions:
Ehlers-Danlos syndrome, classic type, 1 (EDSCL1). Also called: EDS I; EHLERS-DANLOS SYNDROME, GRAVIS TYPE; EHLERS-DANLOS SYNDROME, SEVERE CLASSIC TYPE; Ehlers-Danlos syndrome, type 1; Ehlers-Danlos Syndrome, Classic Type, COL5A1-Related. Identifiers: MedGen C0268335, MONDO:0019567, OMIM 130000.

gnomAD v4.1: 2 of 1,612,736 alleles (0.00012%); highest among the groups gnomAD compares: Non-Finnish European, 0.00017%; no homozygotes.

Submission:

Labcorp Genetics (formerly Invitae), Labcorp
Classification: Uncertain significance for Ehlers-Danlos syndrome, classic type, 1. Last evaluated: 2025-04-11. Review status: criteria provided, single submitter. Criteria: Invitae Variant Classification Sherloc (09022015). Collection method: clinical testing. Allele origin: germline.
Comment: This sequence change falls in intron 2 of the COL5A1 gene. It does not directly change the encoded amino acid sequence of the COL5A1 protein. It affects a nucleotide within the consensus splice site. This variant is present in population databases (no rsID available, gnomAD 0.0009%). This variant has not been reported in the literature in individuals affected with COL5A1-related conditions. ClinVar contains an entry for this variant (Variation ID: 2898160). Variants that disrupt the consensus splice site are a relatively common cause of aberrant splicing (PMID: 17576681, 9536098). Algorithms developed to predict the effect of sequence changes on RNA splicing suggest that this variant is not likely to affect RNA splicing. In summary, the available evidence is currently insufficient to determine the role of this variant in disease. Therefore, it has been classified as a Variant of Uncertain Significance.

Literature cited by the submitters: PubMed 17576681; PubMed 9536098.